The following is an entry in ClinVar:

NC_000016.9:g.(?_89824975)_(89839802_?)del

Gene: FANCA (FA complementation group A; minus strand). Cytogenetic location: 16q24.3.
Variant type: Deletion.
Identifiers: ClinVar variation 1458666 (VCV001458666.4).

ClinVar aggregate classification (germline): Pathogenic (1 of 4 stars; one submission).

Conditions:
Fanconi anemia (FA). Also called: Fanconi's anemia. Identifiers: Orphanet 84, MedGen C0015625, MeSH D005199, MONDO:0019391.

Submission:

Labcorp Genetics (formerly Invitae), Labcorp
Classification: Pathogenic for Fanconi anemia. Last evaluated: 2021-10-02. Review status: criteria provided, single submitter. Criteria: Invitae Variant Classification Sherloc (09022015). Collection method: clinical testing. Allele origin: germline.
Comment: For these reasons, this variant has been classified as Pathogenic. A similar copy number variant has been observed in individual(s) with Fanconi anemia (PMID: 15643609). This variant is a gross deletion of the genomic region encompassing exon(s) 22-30 of the FANCA gene. This deletion is out-of-frame, and is expected to create a premature termination codon and result in an absent or disrupted protein product. Loss-of-function variants in FANCA are known to be pathogenic (PMID: 19367192).

Literature cited by the submitters: PubMed 15643609; PubMed 19367192.